The following is an entry in ClinVar:

NM_020738.4(KIDINS220):c.3397C>T (p.His1133Tyr)

Gene: KIDINS220 (kinase D interacting substrate 220; minus strand). Cytogenetic location: 2p25.1.
Variant type: single nucleotide variant.
Coding change: c.3397C>T on transcript NM_020738.4 (MANE Select); coding-DNA position 3397, C replaced by T.
Protein change: p.His1133Tyr; replaces histidine 1133 with tyrosine.
Molecular consequence: missense variant. On other transcripts: non-coding transcript variant (2).
Genome position (GRCh38, 1-based): chr2:8,750,129, G>A on the plus strand (C>T on the coding strand, the complement: KIDINS220 is on the minus strand). VCF-style: chr2-8750129-G-A. GRCh37 (hg19) VCF-style: chr2-8890259-G-A.
Other names: c.3400C>T, p.His1134Tyr (NM_001348729.2, NM_001348731.2, NM_001348734.2 and 2 more transcripts); c.3397C>T, p.His1133Tyr (NM_001348732.2, NM_001348735.2, NM_001348738.2 and 3 more transcripts); c.3271C>T, p.His1091Tyr (NM_001348736.2); short protein forms H1133Y, H1091Y, H1134Y.
Identifiers: ClinVar variation 4996060 (VCV004996060.1).

ClinVar aggregate classification (germline): Uncertain significance (1 of 4 stars; one submission).

Conditions:
KIDINS220-related disorder. Also called: KIDINS220-related condition.

Submission:

PreventionGenetics, part of Exact Sciences
Classification: Uncertain significance for KIDINS220-related condition. Last evaluated: 2026-08-19. Review status: criteria provided, single submitter. Criteria: ACMG Guidelines, 2015. Collection method: clinical testing. Allele origin: germline.
Comment: The KIDINS220 c.3397C>T variant is predicted to result in the amino acid substitution p.His1133Tyr. To our knowledge, this variant has not been reported in the literature or in a large population database (gnomAD), indicating this variant is rare. At this time, the clinical significance of this variant is uncertain due to the absence of conclusive functional and genetic evidence.